The following is an entry in ClinVar:

NM_001854.4(COL11A1):c.5033dup (p.Leu1680fs)

Gene: COL11A1 (collagen type XI alpha 1 chain; minus strand). Cytogenetic location: 1p21.1.
Variant type: Duplication.
Coding change: c.5033dup on transcript NM_001854.4 (MANE Select); coding-DNA position 5033, one base duplicated (G; older notation c.5033dupG).
Protein change: p.Leu1680fs; shifts the reading frame from leucine 1680.
Molecular consequence: frameshift variant. On other transcripts: non-coding transcript variant (1).
Genome position (GRCh38, 1-based): chr1:102,881,704, C duplicated on the plus strand (G on the coding strand, the reverse complement: COL11A1 is on the minus strand); the first of 4 consecutive C bases (chr1:102,881,704-102,881,707); duplicating any one gives the same sequence. VCF-style (leftmost placement, unchanged base first): chr1-102881703-T-TC. GRCh37 (hg19) VCF-style: chr1-103347259-T-TC.
Other names: c.4682dup, p.Leu1564Thrfs (NM_001168249.1); c.4916dup, p.Leu1641fs (NM_001190709.2); c.5069dup, p.Leu1692fs (NM_080629.3); c.4685dup, p.Leu1564fs (NM_080630.4); short protein forms L1564fs, L1641fs, L1680fs, L1692fs.
Identifiers: ClinVar variation 2822642 (VCV002822642.3), dbSNP rs2524179376, ClinGen allele CA2739275147.

ClinVar aggregate classification (germline): Pathogenic (1 of 4 stars; one submission).

Submission:

Labcorp Genetics (formerly Invitae), Labcorp
Classification: Pathogenic. Last evaluated: 2022-12-20. Review status: criteria provided, single submitter. Criteria: Invitae Variant Classification Sherloc (09022015). Collection method: clinical testing. Allele origin: germline.
Comment: This sequence change creates a premature translational stop signal (p.Leu1680Thrfs*8) in the COL11A1 gene. It is expected to result in an absent or disrupted protein product. Loss-of-function variants in COL11A1 are known to be pathogenic (PMID: 20513134, 21035103, 23922384, 25240749, 32427345, 32756486). This variant is not present in population databases (gnomAD no frequency). This variant has not been reported in the literature in individuals affected with COL11A1-related conditions. For these reasons, this variant has been classified as Pathogenic.

Literature cited by the submitters: PubMed 20513134; PubMed 21035103; PubMed 23922384; PubMed 25240749; PubMed 32427345; PubMed 32756486.